The following is an entry in ClinVar:

ClinVar aggregate classification (germline): Uncertain significance (1 of 4 stars; one submission).

Conditions:
Hereditary hemorrhagic telangiectasia (HHT). Also called: Osler hemorrhagic telangiectasia syndrome; ORW DISEASE; Osler Weber Rendu syndrome; OSLER-RENDU-WEBER DISEASE. Identifiers: Orphanet 774, MedGen C0039445, MONDO:0019180. Disease mechanism: loss of function.

Submission:

Labcorp Genetics (formerly Invitae), Labcorp
Classification: Uncertain significance for Hereditary hemorrhagic telangiectasia. Last evaluated: 2017-11-16. Review status: criteria provided, single submitter. Criteria: Invitae Variant Classification Sherloc (09022015). Collection method: clinical testing. Allele origin: germline.
Comment: This variant has not been reported in the literature in individuals with ENG-related disease. This variant is not present in population databases (ExAC no frequency). This sequence change replaces proline with alanine at codon 225 of the ENG protein (p.Pro225Ala). The proline residue is moderately conserved and there is a small physicochemical difference between proline and alanine. Algorithms developed to predict the effect of missense changes on protein structure and function do not agree on the potential impact of this missense change (SIFT: "Tolerated"; PolyPhen-2: "Possibly Damaging"; Align-GVGD: "Class C0"). In summary, the available evidence is currently insufficient to determine the role of this variant in disease. Therefore, it has been classified as a Variant of Uncertain Significance.

NM_001114753.3(ENG):c.673C>G (p.Pro225Ala)

Gene: ENG (endoglin; minus strand). Cytogenetic location: 9q34.11.
Variant type: single nucleotide variant.
Coding change: c.673C>G on transcript NM_001114753.3 (MANE Select); coding-DNA position 673, C replaced by G.
Protein change: p.Pro225Ala; replaces proline 225 with alanine.
Molecular consequence: missense variant.
Genome position (GRCh38, 1-based): chr9:127,825,711, G>C on the plus strand (C>G on the coding strand, the complement: ENG is on the minus strand). VCF-style: chr9-127825711-G-C. GRCh37 (hg19) VCF-style: chr9-130587990-G-C.
Other names: c.673C>G, p.Pro225Ala (NM_000118.4, NM_001406715.1); c.127C>G, p.Pro43Ala (NM_001278138.2); short protein forms P225A, P43A.
Identifiers: ClinVar variation 528069 (VCV000528069.10), dbSNP rs1554810373, ClinGen allele CA374983508.